The following is an entry in ClinVar:

NM_003482.4(KMT2D):c.6907A>G (p.Asn2303Asp)

Gene: KMT2D (lysine methyltransferase 2D; minus strand). Cytogenetic location: 12q13.12.
Variant type: single nucleotide variant.
Coding change: c.6907A>G on transcript NM_003482.4 (MANE Select); coding-DNA position 6907, A replaced by G.
Protein change: p.Asn2303Asp; replaces asparagine 2303 with aspartic acid.
Molecular consequence: missense variant.
Genome position (GRCh38, 1-based): chr12:49,040,863, T>C on the plus strand (A>G on the coding strand, the complement: KMT2D is on the minus strand). VCF-style: chr12-49040863-T-C. GRCh37 (hg19) VCF-style: chr12-49434646-T-C.
Other names: short protein forms N2303D.
Identifiers: ClinVar variation 1328575 (VCV001328575.2), dbSNP rs1364217370, ClinGen allele CA384749311.
Genomic context (GRCh38, chr12:49,040,863, plus strand): 5'-TCTTTAACTCCAGGCCACCCAGGTGGGTGCCTGAGGAGGGTGAGTCAACAAAGCCCAGGT[T>C]TGGGGGCCCATAGCTAGGAGAGGATGCCCCAAGCTCTTCCTTCTTCACCTCTAGGGCCTT-3'
Protein context (NP_003473.3, residues 2293-2313): GASSPSYGPP[Asn2303Asp]LGFVDSPSSG

ClinVar aggregate classification (germline): Uncertain significance (1 of 4 stars; one submission).

Allele frequency attached by ClinVar (database versions not stated): gnomAD 0.00001.
gnomAD v4.1: 3 of 1,613,642 alleles (0.00019%); highest among the groups gnomAD compares: African/African-American, 0.0013%; no homozygotes.

Submission:

GeneDx
Classification: Uncertain significance. Last evaluated: 2021-06-14. Review status: criteria provided, single submitter. Criteria: GeneDx Variant Classification Process June 2021. Collection method: clinical testing. Allele origin: germline. Affected: yes.
Comment: Not observed at significant frequency in large population cohorts (Lek et al., 2016); In silico analysis supports that this missense variant does not alter protein structure/function; Has not been previously published as pathogenic or benign to our knowledge; This variant is associated with the following publications: (PMID: 27535533)